The following is an entry in ClinVar:

ClinVar aggregate classification (germline): Uncertain significance (1 of 4 stars; one submission).

Conditions:
NIK deficiency. Also called: Primary immunodeficiency with multifaceted aberrant lymphoid immunity. Identifiers: Orphanet 447731, MedGen C5680065, MONDO:0018642.

Allele frequency attached by ClinVar (database versions not stated): gnomAD exomes 0.00002; ExAC 0.00003.
gnomAD v4.1: 8 of 1,614,022 alleles (0.0005%); highest among the groups gnomAD compares: East Asian, 0.0045%; no homozygotes.

Submission:

Labcorp Genetics (formerly Invitae), Labcorp
Classification: Uncertain significance for NIK deficiency. Last evaluated: 2022-06-04. Review status: criteria provided, single submitter. Criteria: Invitae Variant Classification Sherloc (09022015). Collection method: clinical testing. Allele origin: germline.
Comment: In summary, the available evidence is currently insufficient to determine the role of this variant in disease. Therefore, it has been classified as a Variant of Uncertain Significance. ClinVar contains an entry for this variant (Variation ID: 653318). This variant has not been reported in the literature in individuals affected with MAP3K14-related conditions. This variant is present in population databases (rs767596622, gnomAD 0.003%). This sequence change replaces arginine, which is basic and polar, with glutamine, which is neutral and polar, at codon 223 of the MAP3K14 protein (p.Arg223Gln).

NM_003954.5(MAP3K14):c.668G>A (p.Arg223Gln)

Gene: MAP3K14 (mitogen-activated protein kinase kinase kinase 14; minus strand). Cytogenetic location: 17q21.31.
Variant type: single nucleotide variant.
Coding change: c.668G>A on transcript NM_003954.5 (MANE Select); coding-DNA position 668, G replaced by A.
Protein change: p.Arg223Gln; replaces arginine 223 with glutamine.
Molecular consequence: missense variant.
Genome position (GRCh38, 1-based): chr17:45,286,915, C>T on the plus strand (G>A on the coding strand, the complement: MAP3K14 is on the minus strand). VCF-style: chr17-45286915-C-T. GRCh37 (hg19) VCF-style: chr17-43364282-C-T.
Other names: c.668G>A, p.Arg223Gln (LRG_1222t1); short protein forms R223Q.
Identifiers: ClinVar variation 653318 (VCV000653318.9), dbSNP rs767596622, ClinGen allele CA8614296.